The following is an entry in ClinVar:

NM_000051.4(ATM):c.9142C>A (p.Leu3048Ile)

Genes: ATM (ATM serine/threonine kinase; plus strand), C11orf65 (chromosome 11 open reading frame 65; minus strand). Cytogenetic location: 11q22.3.
Variant type: single nucleotide variant.
Coding change: c.9142C>A on transcript NM_000051.4 (MANE Select); coding-DNA position 9142, C replaced by A.
Protein change: p.Leu3048Ile; replaces leucine 3048 with isoleucine.
Molecular consequence: missense variant. On other transcripts: intron variant (2).
Genome position (GRCh38, 1-based): chr11:108,365,479, C>A. VCF-style: chr11-108365479-C-A. GRCh37 (hg19) VCF-style: chr11-108236206-C-A.
Other names: c.9142C>A, p.Leu3048Ile (NM_001351834.2); c.640+20441G>T (NM_001330368.2); c.694+20441G>T (NM_001351110.2); short protein forms L3048I.
Identifiers: ClinVar variation 3802024 (VCV003802024.1).

ClinVar aggregate classification (germline): Uncertain significance. Review status: criteria provided, multiple submitters, no conflicts (2 of 4 stars). 2 submissions from 2 submitters: Uncertain significance (2). Last evaluated 2025-12-18.

Conditions:
Ataxia-telangiectasia syndrome (AT). Also called: Ataxia-telangiectasia, complementation group D; AT, COMPLEMENTATION GROUP C; ATAXIA-TELANGIECTASIA, COMPLEMENTATION GROUP A; ATAXIA-TELANGIECTASIA, FRESNO VARIANT; Ataxia-telangiectasia; Ataxia-telangiectasia, complementation group E. Identifiers: Orphanet 100, MedGen C0004135, MONDO:0008840, OMIM 208900.
Hereditary cancer-predisposing syndrome. Also called: Neoplastic Syndromes, Hereditary; Tumor predisposition; Hereditary Cancer Syndrome; Hereditary neoplastic syndrome. Identifiers: Orphanet 140162, MedGen C0027672, MeSH D009386, MONDO:0015356.

Submissions (2):

Labcorp Genetics (formerly Invitae), Labcorp
Classification: Uncertain significance for Ataxia-telangiectasia syndrome. Last evaluated: 2025-12-18. Review status: criteria provided, single submitter. Criteria: Invitae Variant Classification Sherloc (09022015). Collection method: clinical testing. Allele origin: germline.
Comment: This sequence change replaces leucine, which is neutral and non-polar, with isoleucine, which is neutral and non-polar, at codon 3048 of the ATM protein (p.Leu3048Ile). This variant is present in population databases (no rsID available, gnomAD 0.0009%). This variant has not been reported in the literature in individuals affected with ATM-related conditions. ClinVar contains an entry for this variant (Variation ID: 3802024). Invitae Evidence Modeling of protein sequence and biophysical properties (such as structural, functional, and spatial information, amino acid conservation, physicochemical variation, residue mobility, and thermodynamic stability) has been performed for this missense variant. However, the output from this modeling did not meet the statistical confidence thresholds required to predict the impact of this variant on ATM protein function. In summary, the available evidence is currently insufficient to determine the role of this variant in disease. Therefore, it has been classified as a Variant of Uncertain Significance.

Ambry Genetics
Classification: Uncertain significance for Hereditary cancer-predisposing syndrome. Last evaluated: 2025-02-05. Review status: criteria provided, single submitter. Criteria: Ambry Variant Classification Scheme 2023. Collection method: clinical testing. Allele origin: germline.
Comment: The p.L3048I variant (also known as c.9142C>A), located in coding exon 62 of the ATM gene, results from a C to A substitution at nucleotide position 9142. The leucine at codon 3048 is replaced by isoleucine, an amino acid with highly similar properties. This amino acid position is highly conserved in available vertebrate species. In addition, the in silico prediction for this alteration is inconclusive. Based on the available evidence, the clinical significance of this variant remains unclear.